The following is an entry in ClinVar:

NM_015662.3(IFT172):c.4868C>T (p.Thr1623Ile)

Genes: IFT172 (intraflagellar transport 172; minus strand), KRTCAP3 (keratinocyte associated protein 3; plus strand). Cytogenetic location: 2p23.3.
Variant type: single nucleotide variant.
Coding change: c.4868C>T on transcript NM_015662.3 (MANE Select); coding-DNA position 4868, C replaced by T.
Protein change: p.Thr1623Ile; replaces threonine 1623 with isoleucine.
Molecular consequence: missense variant. On other transcripts: intron variant (1).
Genome position (GRCh38, 1-based): chr2:27,445,791, G>A on the plus strand (C>T on the coding strand, the complement: IFT172 is on the minus strand). VCF-style: chr2-27445791-G-A. GRCh37 (hg19) VCF-style: chr2-27668658-G-A.
Other names: c.4802C>T, p.Thr1601Ile (NM_001410739.1); c.*6-510G>A (NM_001168364.2); short protein forms T1623I, T1601I.
Identifiers: ClinVar variation 955307 (VCV000955307.13), dbSNP rs762958757, ClinGen allele CA1579441.

ClinVar aggregate classification (germline): Conflicting classifications of pathogenicity. Review status: criteria provided, conflicting classifications (1 of 4 stars). 4 submissions from 4 submitters: Likely pathogenic (2); Uncertain significance (2). Last evaluated 2025-12-20.

Conditions:
IFT172-related disorder. Also called: IFT172-related condition; IFT172-related disorders.
Bardet-Biedl syndrome 20. Identifiers: MedGen C4310707, MONDO:0023670, OMIM 619471, MONDO:0014926.
Retinitis pigmentosa 71 (RP71). Identifiers: Orphanet 791, MedGen C4225342, MONDO:0014618, OMIM 616394.
Short-rib thoracic dysplasia 10 with or without polydactyly (SRTD10). Identifiers: Orphanet 474, MedGen C3810175, MONDO:0014284, OMIM 615630.

Allele frequency attached by ClinVar (database versions not stated): gnomAD exomes 0.00001.
gnomAD v4.1: 3 of 1,614,160 alleles (0.00019%); highest among the groups gnomAD compares: Admixed American, 0.005%; no homozygotes.

Submissions (4):

Labcorp Genetics (formerly Invitae), Labcorp
Classification: Likely pathogenic for Retinitis pigmentosa 71; Short-rib thoracic dysplasia 10 with or without polydactyly. Last evaluated: 2025-12-20. Review status: criteria provided, single submitter. Criteria: Invitae Variant Classification Sherloc (09022015). Collection method: clinical testing. Allele origin: germline.
Comment: This sequence change replaces threonine, which is neutral and polar, with isoleucine, which is neutral and non-polar, at codon 1623 of the IFT172 protein (p.Thr1623Ile). This variant is present in population databases (rs762958757, gnomAD 0.009%). This missense change has been observed in individuals with clinical features of retinitis pigmentosa (internal data). ClinVar contains an entry for this variant (Variation ID: 955307). Invitae Evidence Modeling of protein sequence and biophysical properties (such as structural, functional, and spatial information, amino acid conservation, physicochemical variation, residue mobility, and thermodynamic stability) has been performed for this missense variant. However, the output from this modeling did not meet the statistical confidence thresholds required to predict the impact of this variant on IFT172 protein function. In summary, the currently available evidence indicates that the variant is pathogenic, but additional data are needed to prove that conclusively. Therefore, this variant has been classified as Likely Pathogenic.

PreventionGenetics, part of Exact Sciences
Classification: Uncertain significance for IFT172-related condition. Last evaluated: 2025-09-10. Review status: criteria provided, single submitter. Criteria: ACMG Guidelines, 2015. Collection method: clinical testing. Allele origin: germline.
Comment: The IFT172 c.4868C>T variant is predicted to result in the amino acid substitution p.Thr1623Ile. This variant has been reported with a second IFT172 variant in an individual with retinitis pigmentosa (Villafuerte-de la Cruz et al. 2024. PubMed ID: 38347443). At PreventionGenetics, this variant has been observed with a second IFT172 variant in individuals receiving testing for monogenic obesity (Internal Data). This variant is reported in 0.0087% of alleles in individuals of Latino descent in gnomAD. At this time, the clinical significance of this variant is uncertain due to the absence of conclusive functional and genetic evidence.

Fulgent Genetics
Classification: Likely pathogenic for Short-rib thoracic dysplasia 10 with or without polydactyly; Retinitis pigmentosa 71; Bardet-Biedl syndrome 20. Last evaluated: 2024-04-28. Review status: criteria provided, single submitter. Criteria: ACMG Guidelines, 2015. Collection method: clinical testing. Allele origin: germline.

Blueprint Genetics
Classification: Uncertain significance. Last evaluated: 2019-12-10. Review status: criteria provided, single submitter. Criteria: ACMG Guidelines, 2015. Collection method: clinical testing. Allele origin: germline.